The following is an entry in ClinVar:

NM_139057.4(ADAMTS17):c.552G>C (p.Trp184Cys)

Gene: ADAMTS17 (ADAM metallopeptidase with thrombospondin type 1 motif 17; minus strand). Cytogenetic location: 15q26.3.
Variant type: single nucleotide variant.
Coding change: c.552G>C on transcript NM_139057.4 (MANE Select); coding-DNA position 552, G replaced by C.
Protein change: p.Trp184Cys; replaces tryptophan 184 with cysteine.
Molecular consequence: missense variant.
Genome position (GRCh38, 1-based): chr15:100,330,953, C>G on the plus strand (G>C on the coding strand, the complement: ADAMTS17 is on the minus strand). VCF-style: chr15-100330953-C-G. GRCh37 (hg19) VCF-style: chr15-100871158-C-G.
Other names: short protein forms W184C.
Identifiers: ClinVar variation 315316 (VCV000315316.12), dbSNP rs754980579, ClinGen allele CA7758692.

ClinVar aggregate classification (germline): Uncertain significance. Review status: criteria provided, multiple submitters, no conflicts (2 of 4 stars). 3 submissions from 3 submitters: Uncertain significance (3). Last evaluated 2022-11-01.

Conditions:
Inborn genetic diseases. Identifiers: MedGen C0950123, MeSH D030342.
Weill-Marchesani 4 syndrome, recessive. Also called: Weill-Marchesani syndrome 4. Identifiers: Orphanet 363992, MedGen C2750787, MONDO:0013176, OMIM 613195.

Allele frequency attached by ClinVar (database versions not stated): gnomAD exomes 0.00006; ExAC 0.00009.
gnomAD v4.1: 46 of 1,614,104 alleles (0.0028%); highest among the groups gnomAD compares: South Asian, 0.045%; no homozygotes.

Submissions (3):

Labcorp Genetics (formerly Invitae), Labcorp
Classification: Uncertain significance. Last evaluated: 2022-11-01. Review status: criteria provided, single submitter. Criteria: Invitae Variant Classification Sherloc (09022015). Collection method: clinical testing. Allele origin: germline.
Comment: In summary, the available evidence is currently insufficient to determine the role of this variant in disease. Therefore, it has been classified as a Variant of Uncertain Significance. Algorithms developed to predict the effect of missense changes on protein structure and function are either unavailable or do not agree on the potential impact of this missense change (SIFT: "Not Available"; PolyPhen-2: "Possibly Damaging"; Align-GVGD: "Not Available"). ClinVar contains an entry for this variant (Variation ID: 315316). This variant has not been reported in the literature in individuals affected with ADAMTS17-related conditions. This variant is present in population databases (rs754980579, gnomAD 0.06%). This sequence change replaces tryptophan, which is neutral and slightly polar, with cysteine, which is neutral and slightly polar, at codon 184 of the ADAMTS17 protein (p.Trp184Cys).

Ambry Genetics
Classification: Uncertain significance for Inborn genetic diseases. Last evaluated: 2022-08-02. Review status: criteria provided, single submitter. Criteria: Ambry Variant Classification Scheme 2023. Collection method: clinical testing. Allele origin: germline.

Illumina Laboratory Services, Illumina
Classification: Uncertain significance for Weill-Marchesani 4 syndrome, recessive. Last evaluated: 2018-01-12. Review status: criteria provided, single submitter. Criteria: ICSL Variant Classification Criteria 13 December 2019. Collection method: clinical testing. Allele origin: germline.